The following is an entry in ClinVar:

NM_016729.3(FOLR1):c.357+3_357+4delinsTA

Genes: FOLR1-AS1 (FOLR1 antisense RNA 1; minus strand), FOLR1 (folate receptor alpha; plus strand). Cytogenetic location: 11q13.4.
Variant type: Indel.
Coding change: c.357+3_357+4delinsTA on transcript NM_016729.3 (MANE Select); bases 3 to 4 of the intron after coding-DNA position 357, AT replaced by TA.
Molecular consequence: intron variant.
Genome position (GRCh38, 1-based): chr11:72,195,462-72,195,463, AT replaced by TA. VCF-style: chr11-72195462-AT-TA. GRCh37 (hg19) VCF-style: chr11-71906506-AT-TA.
Other names: c.357+3_357+4delinsTA (NM_016724.3, NM_016725.3, NM_000802.3).
Identifiers: ClinVar variation 1484063 (VCV001484063.6), dbSNP rs2135388488, ClinGen allele CA2573147662.

ClinVar aggregate classification (germline): Uncertain significance (1 of 4 stars; one submission).

Conditions:
Cerebral folate transport deficiency. Also called: FOLATE RECEPTOR DEFICIENCY; Cerebral folate deficiency syndrome; Neurodegenerative syndrome due to cerebral folate transport deficiency; NEURODEGENERATION DUE TO CEREBRAL FOLATE TRANSPORT DEFICIENCY; FOLR1-Related Cerebral Folate Transport Deficiency. Identifiers: Orphanet 217382, MedGen C2751584, MONDO:0013110, OMIM 613068. Disease mechanism: loss of function.

Submission:

Labcorp Genetics (formerly Invitae), Labcorp
Classification: Uncertain significance for Cerebral folate transport deficiency. Last evaluated: 2021-09-21. Review status: criteria provided, single submitter. Criteria: Invitae Variant Classification Sherloc (09022015). Collection method: clinical testing. Allele origin: germline.
Comment: In summary, the available evidence is currently insufficient to determine the role of this variant in disease. Therefore, it has been classified as a Variant of Uncertain Significance. Variants that disrupt the consensus splice site are a relatively common cause of aberrant splicing (PMID: 17576681, 9536098). Algorithms developed to predict the effect of sequence changes on RNA splicing suggest that this variant may disrupt the consensus splice site. This variant has not been reported in the literature in individuals affected with FOLR1-related conditions. The frequency data for this variant in the population databases is not available, as this variant may be reported as separate entries in the ExAC database. This sequence change falls in intron 3 of the FOLR1 gene. It does not directly change the encoded amino acid sequence of the FOLR1 protein. It affects a nucleotide within the consensus splice site of the intron.

Literature cited by the submitters: PubMed 17576681; PubMed 9536098.